The following is an entry in ClinVar:

NM_000143.4(FH):c.1291A>T (p.Thr431Ser)

Gene: FH (fumarate hydratase; minus strand). Cytogenetic location: 1q43.
Variant type: single nucleotide variant.
Coding change: c.1291A>T on transcript NM_000143.4 (MANE Select); coding-DNA position 1291, A replaced by T.
Protein change: p.Thr431Ser; replaces threonine 431 with serine.
Molecular consequence: missense variant.
Genome position (GRCh38, 1-based): chr1:241,500,536, T>A on the plus strand (A>T on the coding strand, the complement: FH is on the minus strand). VCF-style: chr1-241500536-T-A. GRCh37 (hg19) VCF-style: chr1-241663836-T-A.
Other names: short protein forms T431S.
Identifiers: ClinVar variation 4257346 (VCV004257346.1).

ClinVar aggregate classification (germline): Uncertain significance (1 of 4 stars; one submission).

Conditions:
Hereditary cancer-predisposing syndrome. Also called: Hereditary Cancer Syndrome; Hereditary neoplastic syndrome; Neoplastic Syndromes, Hereditary; Tumor predisposition. Identifiers: Orphanet 140162, MedGen C0027672, MeSH D009386, MONDO:0015356.

Submission:

Ambry Genetics
Classification: Uncertain significance for Hereditary cancer-predisposing syndrome. Last evaluated: 2025-07-30. Review status: criteria provided, single submitter. Criteria: Ambry Variant Classification Scheme 2023. Collection method: clinical testing. Allele origin: germline.
Comment: The p.T431S variant (also known as c.1291A>T), located in coding exon 9 of the FH gene, results from an A to T substitution at nucleotide position 1291. The threonine at codon 431 is replaced by serine, an amino acid with similar properties. This amino acid position is conserved. In addition, the in silico prediction for this alteration is inconclusive. Based on the available evidence, the clinical significance of this variant remains unclear.